The following is an entry in ClinVar:

NM_000053.4(ATP7B):c.2485G>A (p.Asp829Asn)

Gene: ATP7B (ATPase copper transporting beta; minus strand). Cytogenetic location: 13q14.3.
Variant type: single nucleotide variant.
Coding change: c.2485G>A on transcript NM_000053.4 (MANE Select); coding-DNA position 2485, G replaced by A.
Protein change: p.Asp829Asn; replaces aspartic acid 829 with asparagine.
Molecular consequence: missense variant.
Genome position (GRCh38, 1-based): chr13:51,950,362, C>T on the plus strand (G>A on the coding strand, the complement: ATP7B is on the minus strand). VCF-style: chr13-51950362-C-T. GRCh37 (hg19) VCF-style: chr13-52524498-C-T.
Other names: c.1999G>A, p.Asp667Asn (NM_001005918.3); c.2152G>A, p.Asp718Asn (NM_001243182.2); c.2251G>A, p.Asp751Asn (NM_001330578.2); c.2233G>A, p.Asp745Asn (NM_001330579.2); short protein forms D751N, D745N, D667N, D718N, D829N.
Identifiers: ClinVar variation 1487721 (VCV001487721.7), dbSNP rs181388674, ClinGen allele CA6988991.

ClinVar aggregate classification (germline): Conflicting classifications of pathogenicity. Review status: criteria provided, conflicting classifications (1 of 4 stars). 2 submissions from 2 submitters: Likely pathogenic (1); Uncertain significance (1). Last evaluated 2025-09-14.

Conditions:
Wilson disease (WND). Also called: Wilson's disease. Identifiers: Orphanet 905, MedGen C0019202, MONDO:0010200, OMIM 277900. Disease mechanism: loss of function.

Allele frequency attached by ClinVar (database versions not stated): gnomAD 0.00001; ExAC 0.00002; gnomAD exomes 0.00002; 1000 Genomes Project 30x 0.00016; 1000 Genomes Project 0.00020.
gnomAD v4.1: 5 of 1,614,160 alleles (0.00031%); highest among the groups gnomAD compares: East Asian, 0.0022%; no homozygotes.

Submissions (2):

Labcorp Genetics (formerly Invitae), Labcorp
Classification: Likely pathogenic for Wilson disease. Last evaluated: 2025-09-14. Review status: criteria provided, single submitter. Criteria: Invitae Variant Classification Sherloc (09022015). Collection method: clinical testing. Allele origin: germline.
Comment: This sequence change replaces aspartic acid, which is acidic and polar, with asparagine, which is neutral and polar, at codon 829 of the ATP7B protein (p.Asp829Asn). This variant is present in population databases (rs181388674, gnomAD 0.006%). This variant has not been reported in the literature in individuals affected with ATP7B-related conditions. ClinVar contains an entry for this variant (Variation ID: 1487721). Invitae Evidence Modeling of protein sequence and biophysical properties (such as structural, functional, and spatial information, amino acid conservation, physicochemical variation, residue mobility, and thermodynamic stability) has been performed for this missense variant. However, the output from this modeling did not meet the statistical confidence thresholds required to predict the impact of this variant on ATP7B protein function. This variant disrupts the p.Asp829 amino acid residue in ATP7B. Other variant(s) that disrupt this residue have been determined to be pathogenic (internal data). This suggests that this residue is clinically significant, and that variants that disrupt this residue are likely to be disease-causing. In summary, the currently available evidence indicates that the variant is pathogenic, but additional data are needed to prove that conclusively. Therefore, this variant has been classified as Likely Pathogenic.

Blueprint Genetics
Classification: Uncertain significance. Last evaluated: 2023-06-01. Review status: criteria provided, single submitter. Criteria: ACMG Guidelines, 2015. Collection method: clinical testing. Allele origin: germline.